The following is an entry in ClinVar:

NM_020207.7(ERCC6L2):c.847A>G (p.Arg283Gly)

Gene: ERCC6L2 (ERCC excision repair 6 like 2; plus strand). Cytogenetic location: 9q22.32.
Variant type: single nucleotide variant.
Coding change: c.847A>G on transcript NM_020207.7 (MANE Select); coding-DNA position 847, A replaced by G.
Protein change: p.Arg283Gly; replaces arginine 283 with glycine.
Molecular consequence: missense variant. On other transcripts: non-coding transcript variant (1).
Genome position (GRCh38, 1-based): chr9:95,915,726, A>G. VCF-style: chr9-95915726-A-G. GRCh37 (hg19) VCF-style: chr9-98678008-A-G.
Other names: c.847A>G, p.Arg283Gly (NM_001010895.4, NM_001375291.1, NM_001375292.1 and 2 more transcripts); short protein forms R283G.
Identifiers: ClinVar variation 3621852 (VCV003621852.2).

ClinVar aggregate classification (germline): Uncertain significance (1 of 4 stars; one submission).

gnomAD v4.1: 6 of 1,613,800 alleles (0.00037%); highest among the groups gnomAD compares: African/African-American, 0.0067%; no homozygotes.

Submission:

Labcorp Genetics (formerly Invitae), Labcorp
Classification: Uncertain significance. Last evaluated: 2024-10-03. Review status: criteria provided, single submitter. Criteria: Invitae Variant Classification Sherloc (09022015). Collection method: clinical testing. Allele origin: germline.
Comment: This sequence change replaces arginine, which is basic and polar, with glycine, which is neutral and non-polar, at codon 294 of the ERCC6L2 protein (p.Arg294Gly). This variant is present in population databases (rs377624956, gnomAD 0.02%). This variant has not been reported in the literature in individuals affected with ERCC6L2-related conditions. Experimental studies and prediction algorithms are not available or were not evaluated, and the functional significance of this variant is currently unknown. In summary, the available evidence is currently insufficient to determine the role of this variant in disease. Therefore, it has been classified as a Variant of Uncertain Significance.